The following is an entry in ClinVar:

NM_000152.5(GAA):c.1952del (p.Gly651fs)

Gene: GAA (alpha glucosidase; plus strand). Cytogenetic location: 17q25.3.
Variant type: Deletion.
Coding change: c.1952del on transcript NM_000152.5 (MANE Select); coding-DNA position 1952, one base deleted (G; older notation c.1952delG).
Protein change: p.Gly651fs; shifts the reading frame from glycine 651.
Molecular consequence: frameshift variant.
Genome position (GRCh38, 1-based): chr17:80,112,939, G deleted; the last of 3 consecutive G bases (chr17:80,112,937-80,112,939); deleting any one gives the same sequence. VCF-style (leftmost placement, unchanged base first): chr17-80112936-TG-T. GRCh37 (hg19) VCF-style: chr17-78086735-TG-T.
Other names: c.1952del, p.Gly651fs (NM_001079803.3, NM_001079804.3); c.1952delG (NM_000152.3); short protein forms G651fs.
Identifiers: ClinVar variation 632822 (VCV000632822.17), dbSNP rs1567835775, ClinGen allele CA913191009.
Genomic context (GRCh38, chr17:80,112,936, plus strand): 5'-AAATCCTGCAGTTTAACCTGCTGGGGGTGCCTCTGGTCGGGGCCGACGTCTGCGGCTTCC[TG>T]GGCAACACCTCAGAGGAGCTGTGTGTGCGCTGGACCCAGCTGGGGGCCTTCTACCCCTTC-3'

ClinVar aggregate classification (germline): Pathogenic. Review status: reviewed by expert panel (3 of 4 stars). 6 submissions from 6 submitters: Pathogenic (1). 5 of the submissions do not count toward it. Last evaluated 2023-04-19.

Conditions:
Glycogen storage disease, type II (IOPD). Also called: Glycogen storage disease type 2; Acid maltase deficiency disease; Aglucosidase alfa; Deficiency of alpha-glucosidase; Deficiency of lysosomal alpha-glucosidase; Glucosidase acid-1,4-alpha deficiency. Identifiers: Orphanet 365, MedGen C0017921, MONDO:0009290, OMIM 232300.

Submissions (6):

ClinGen Lysosomal Storage Disorder Variant Curation Expert Panel
Classification: Pathogenic for Glycogen storage disease, type II. Last evaluated: 2023-04-19. Review status: reviewed by expert panel. Criteria: clingen_lsd_acmg_specifications_v2-1. Collection method: curation. Allele origin: germline. Inheritance: Autosomal recessive inheritance.
Comment: The NM_000152.5:c.1952del (p.Gly651AlafsTer45) variant in GAA is a frameshift variant predicted to cause a premature stop codon, leading to nonsense mediated decay in a gene in which loss-of-function is an established disease mechanism (PVS1). Two adult siblings who are compound heterozygous for the variant (labeled as c.1951del in the publication) and a pathogenic variant in GAA, c.-32-13T>G, phase unknown, were identified with deficient GAA activity on a screening study in dried blood spots. Both have limb girdle muscular weakness and elevated CK. One of the siblings also has dyspnea, rigid spine, cachexia, reduced pulmonary function, and is on enzyme replacement therapy (PMID: 31125121) (PP4, PM3_Supporting). The variant is absent in gnomAD v2.1.1 (PM2_Supporting). There is a ClinVar entry for this variant (Variation ID: 632822). In summary, this variant meets the criteria to be classified as pathogenic for Pompe disease. GAA-specific ACMG/AMP criteria met, based on the specifications of the ClinGen Lysosomal Diseases VCEP (Specifications Version 2.0): PVS1, PP4, PM3_Supporting, PM2_Supporting. (Classification approved by the ClinGen Lysosomal Diseases VCEP, April 11, 2023)

Genomenon, Inc
Classification: Pathogenic for Glycogen storage disease, type II. Last evaluated: 2026-07-01. Review status: criteria provided, single submitter. Criteria: Genomenon Sequence Variant Interpretation Standards - Updated. Collection method: curation. Allele origin: germline. Affected: yes. Not counted in ClinVar's aggregate classification.
Comment: GAA p.Gly651AlafsTer45 (c.1952del) is a frameshift variant that is predicted to introduce a premature termination codon and result in a truncated or absent protein product. This variant has been observed in at least one proband with a GAA-related disorder (PMID:31125121). It is absent or not present at a significant frequency in gnomAD. In conclusion, we classify GAA p.Gly651AlafsTer45 (c.1952del) as a pathogenic variant.

Myriad Genetics, Inc.
Classification: Pathogenic for Glycogen storage disease, type II. Last evaluated: 2026-06-05. Review status: criteria provided, single submitter. Criteria: Myriad Autosomal Dominant, Autosomal Recessive and X-Linked Classification Criteria (2023). Collection method: clinical testing. Allele origin: unknown. Not counted in ClinVar's aggregate classification.
Comment: NM_000152.3(GAA):c.1952delG(G651Afs*45) is expected to be pathogenic in the context of Pompe disease. This variant is predicted to lead to an abnormal or absent protein product due to the creation of a premature termination codon in GAA, a gene where loss-of-function variants are known to be pathogenic. Please note: this variant was assessed in the context of healthy population screening.

Labcorp Genetics (formerly Invitae), Labcorp
Classification: Pathogenic for Glycogen storage disease, type II. Last evaluated: 2025-12-06. Review status: criteria provided, single submitter. Criteria: Invitae Variant Classification Sherloc (09022015). Collection method: clinical testing. Allele origin: germline. Not counted in ClinVar's aggregate classification.
Comment: This sequence change creates a premature translational stop signal (p.Gly651Alafs*45) in the GAA gene. It is expected to result in an absent or disrupted protein product. Loss-of-function variants in GAA are known to be pathogenic (PMID: 18425781, 22252923). Information on the frequency of this variant in the gnomAD database is not available, as this variant may be reported differently in the database. This premature translational stop signal has been observed in individual(s) with Pompe disease (PMID: 31392188). ClinVar contains an entry for this variant (Variation ID: 632822). Algorithms developed to predict the effect of sequence changes on RNA splicing suggest that this variant may disrupt the consensus splice site. For these reasons, this variant has been classified as Pathogenic.

Genetic Services Laboratory, University of Chicago
Classification: Likely pathogenic. Last evaluated: 2021-06-29. Review status: criteria provided, single submitter. Criteria: ACMG Guidelines, 2015. Collection method: clinical testing. Allele origin: germline. Affected: yes. Not counted in ClinVar's aggregate classification.

Women's Health and Genetics/Laboratory Corporation of America, LabCorp
Classification: Likely pathogenic for Glycogen storage disease, type II. Last evaluated: 2018-03-20. Review status: criteria provided, single submitter. Criteria: LabCorp Variant Classification Summary - May 2015. Collection method: clinical testing. Allele origin: germline. Not counted in ClinVar's aggregate classification.
Comment: Variant summary: GAA c.1952delG (p.Gly651AlafsX45) results in a premature termination codon, predicted to cause a truncation of the encoded protein or absence of the protein due to nonsense mediated decay, which are commonly known mechanisms for disease. Truncations downstream of this position have been classified as pathogenic by our laboratory (eg. c.2544delC/p.Lys849fsX38, c.2560C>T/p.Arg854X). The variant was absent in 89202 control chromosomes (ExAC). To our knowledge, no occurrence of c.1952delG in individuals affected with Glycogen Storage Disease, Type 2 (Pompe Disease) and no experimental evidence demonstrating its impact on protein function have been reported. No clinical diagnostic laboratories have submitted clinical-significance assessments for this variant to ClinVar after 2014. Based on the evidence outlined above, the variant was classified as likely pathogenic.

Literature cited by the submitters: PubMed 31125121 (cited by Genomenon, Inc); PubMed 18425781 (cited by Labcorp Genetics (formerly Invitae), Labcorp); PubMed 22252923 (cited by Labcorp Genetics (formerly Invitae), Labcorp); PubMed 31392188 (cited by Labcorp Genetics (formerly Invitae), Labcorp).